The following is an entry in ClinVar:

NM_001354604.2(MITF):c.1569G>A (p.Glu523=)

Gene: MITF (melanocyte inducing transcription factor; plus strand). Cytogenetic location: 3p13.
Variant type: single nucleotide variant.
Coding change: c.1569G>A on transcript NM_001354604.2 (MANE Select); coding-DNA position 1569, G replaced by A.
Protein change: p.Glu523=; no amino-acid change (glutamic acid 523 retained).
Molecular consequence: synonymous variant.
Genome position (GRCh38, 1-based): chr3:69,965,236, G>A. VCF-style: chr3-69965236-G-A. GRCh37 (hg19) VCF-style: chr3-70014387-G-A.
Other names: c.1248G>A, p.Glu416= (NM_000248.4); c.1395G>A, p.Glu465= (NM_001184967.2, NM_001354608.2); c.1566G>A, p.Glu522= (NM_001354605.2); c.1548G>A, p.Glu516= (NM_001354606.2, NM_006722.3); c.1500G>A, p.Glu500= (NM_001354607.2); c.1230G>A, p.Glu410= (NM_198158.3); c.1551G>A, p.Glu517= (NM_198159.3); c.1503G>A, p.Glu501= (NM_198177.3); and 2 more.
Identifiers: ClinVar variation 346501 (VCV000346501.25), dbSNP rs200830148, ClinGen allele CA2490700.

ClinVar aggregate classification (germline): Benign/Likely benign. Review status: criteria provided, multiple submitters, no conflicts (2 of 4 stars). 11 submissions from 9 submitters: Benign (6); Likely benign (3). 2 of the submissions do not count toward it. Last evaluated 2026-02-02.

Conditions:
Waardenburg syndrome type 2A (WS2A). Also called: WAARDENBURG SYNDROME WITHOUT DYSTOPIA CANTHORUM. Identifiers: Orphanet 3440, MedGen C1860339, MONDO:0008671, OMIM 193510.
Tietz syndrome (TADS). Also called: ALBINISM-DEAFNESS OF TIETZ; HYPOPIGMENTATION/DEAFNESS OF TIETZ; TIETZ ALBINISM-DEAFNESS SYNDROME. Identifiers: Orphanet 42665, MedGen C0391816, MONDO:0007077, OMIM 103500.
Melanoma, cutaneous malignant, susceptibility to, 8. Also called: MELANOMA AND RENAL CELL CARCINOMA, SUSCEPTIBILITY TO; Cutaneous malignant melanoma 8. Identifiers: Orphanet 293822, MedGen C3152204, MONDO:0013759, OMIM 614456.
Hereditary cancer-predisposing syndrome. Also called: Neoplastic Syndromes, Hereditary; Tumor predisposition; Hereditary neoplastic syndrome; Hereditary Cancer Syndrome. Identifiers: Orphanet 140162, MedGen C0027672, MeSH D009386, MONDO:0015356.

Allele frequency attached by ClinVar (database versions not stated): gnomAD 0.00003 and 0.00092; TOPMed 0.00022; gnomAD exomes 0.00165 and 0.00354; ExAC 0.00408; 1000 Genomes Project 30x 0.00656; 1000 Genomes Project 0.00679.
gnomAD v4.1: 2,573 of 1,613,872 alleles (0.16%); highest among the groups gnomAD compares: South Asian, 2.7%; 66 homozygotes.

Submissions (11):

Labcorp Genetics (formerly Invitae), Labcorp
Classification: Benign for Melanoma, cutaneous malignant, susceptibility to, 8; Waardenburg syndrome type 2A; Tietz syndrome. Last evaluated: 2026-02-02. Review status: criteria provided, single submitter. Criteria: Invitae Variant Classification Sherloc (09022015). Collection method: clinical testing. Allele origin: germline.

Center for Genomic Medicine, Rigshospitalet, Copenhagen University Hospital
Classification: Benign. Last evaluated: 2025-03-04. Review status: criteria provided, single submitter. Criteria: ACMG Guidelines, 2015. Collection method: clinical testing. Allele origin: germline.

KCCC/NGS Laboratory, Kuwait Cancer Control Center
Classification: Benign for Waardenburg syndrome type 2A. Last evaluated: 2025-02-01. Review status: criteria provided, single submitter. Criteria: ACMG Guidelines, 2015. Collection method: clinical testing. Allele origin: germline. Affected: no.

Ambry Genetics
Classification: Likely benign for Hereditary cancer-predisposing syndrome. Last evaluated: 2024-10-02. Review status: criteria provided, single submitter. Criteria: Ambry Variant Classification Scheme 2023. Collection method: clinical testing. Allele origin: germline.

KCCC/NGS Laboratory, Kuwait Cancer Control Center
Classification: Likely benign for Melanoma, cutaneous malignant, susceptibility to, 8. Last evaluated: 2023-07-07. Review status: criteria provided, single submitter. Criteria: ACMG Guidelines, 2015. Collection method: clinical testing. Allele origin: germline. Affected: yes.

GeneDx
Classification: Likely benign. Last evaluated: 2020-12-09. Review status: criteria provided, single submitter. Criteria: GeneDx Variant Classification Process June 2021. Collection method: clinical testing. Allele origin: germline. Affected: yes.

Illumina Laboratory Services, Illumina
Classification: Benign for Tietz syndrome. Last evaluated: 2018-01-13. Review status: criteria provided, single submitter. Criteria: ICSL Variant Classification Criteria 13 December 2019. Collection method: clinical testing. Allele origin: germline.
Comment: This variant was observed in the ICSL laboratory as part of a predisposition screen in an ostensibly healthy population. It had not been previously curated by ICSL or reported in the Human Gene Mutation Database (HGMD: prior to June 1st, 2018), and was therefore a candidate for classification through an automated scoring system. Utilizing variant allele frequency, disease prevalence and penetrance estimates, and inheritance mode, an automated score was calculated to assess if this variant is too frequent to cause the disease. Based on the score and internal cut-off values, a variant classified as benign is not then subjected to further curation. The score for this variant resulted in a classification of benign for this disease.

Illumina Laboratory Services, Illumina
Classification: Benign for Waardenburg syndrome type 2A. Last evaluated: 2018-01-13. Review status: criteria provided, single submitter. Criteria: ICSL Variant Classification Criteria 13 December 2019. Collection method: clinical testing. Allele origin: germline.
Comment: the same text as in the submission from Illumina Laboratory Services, Illumina above.

Women's Health and Genetics/Laboratory Corporation of America, LabCorp
Classification: Benign. Last evaluated: 2016-03-09. Review status: criteria provided, single submitter. Criteria: LabCorp Variant Classification Summary - May 2015. Collection method: clinical testing. Allele origin: germline.
Comment: Variant summary: This c.1248G>A variant affects a non-conserved nucleotide, resulting in synonymous amino acid change. 5/5 splice-site tools via Alamut predict that this variant does not affect normal splicing. This variant was found in 492/120528 control chromosomes from the broad and large populations of ExAC at a frequency of 0.004082, predominantly in South Asian population with an allele frequency of 0.02967 (488/16448 chromosomes) including 12 homozygous occurrences. These frequencies are significantly greater than the maximal expected frequency of a pathogenic allele (0.0000125) in this gene, suggesting this variant is a benign polymorphism mainly found in South Asian population. The variant has not been reported in individuals with phenotypes linked to this gene, to our knowledge. Taken together, this variant has been classified as Benign.

Clinical Genetics, Academic Medical Center
Classification: Benign. Review status: no assertion criteria provided. Collection method: clinical testing. Allele origin: germline. Affected: yes. Study: VKGL Data-share Consensus. Not counted in ClinVar's aggregate classification.

Genome Diagnostics Laboratory, Amsterdam University Medical Center
Classification: Benign. Review status: no assertion criteria provided. Collection method: clinical testing. Allele origin: germline. Affected: yes. Study: VKGL Data-share Consensus. Not counted in ClinVar's aggregate classification.